The following is an entry in ClinVar:

ClinVar aggregate classification (germline): Uncertain significance (1 of 4 stars; one submission).

Submission:

Labcorp Genetics (formerly Invitae), Labcorp
Classification: Uncertain significance. Last evaluated: 2023-08-04. Review status: criteria provided, single submitter. Criteria: Invitae Variant Classification Sherloc (09022015). Collection method: clinical testing. Allele origin: germline.
Comment: This variant has not been reported in the literature in individuals affected with KANK1-related conditions. This variant is not present in population databases (gnomAD no frequency). This sequence change creates a premature translational stop signal (p.Tyr1030*) in the KANK1 gene. It is expected to result in an absent or disrupted protein product. However, the current clinical and genetic evidence is not sufficient to establish whether loss-of-function variants in KANK1 cause disease. In summary, the available evidence is currently insufficient to determine the role of this variant in disease. Therefore, it has been classified as a Variant of Uncertain Significance.

NM_015158.5(KANK1):c.3090T>A (p.Tyr1030Ter)

Gene: KANK1 (KN motif and ankyrin repeat domains 1; plus strand). Cytogenetic location: 9p24.3.
Variant type: single nucleotide variant.
Coding change: c.3090T>A on transcript NM_015158.5 (MANE Select); coding-DNA position 3090, T replaced by A.
Protein change: p.Tyr1030Ter; replaces tyrosine 1030 with a stop codon.
Molecular consequence: nonsense. On other transcripts: intron variant (5).
Genome position (GRCh38, 1-based): chr9:732,462, T>A. VCF-style: chr9-732462-T-A. GRCh37 (hg19) VCF-style: chr9-732462-T-A.
Other names: c.3090T>A, p.Tyr1030Ter (NM_001256876.3, NM_001256877.3, NM_001354334.2); c.3036T>A, p.Tyr1012Ter (NM_001354332.2); c.2616T>A, p.Tyr872Ter (NM_001354333.2, NM_001354335.2, NM_001354337.2 and 2 more transcripts); c.2562T>A, p.Tyr854Ter (NM_001354338.2, NM_001354340.2, NM_001354344.2); c.3005+1196T>A (NM_001354331.2); c.2477+1196T>A (NM_001354336.2); c.2531+1196T>A (NM_001354339.2, NM_001354343.2, NM_001354342.2); short protein forms Y1012*, Y1030*, Y872*, Y854*.
Identifiers: ClinVar variation 2853322 (VCV002853322.3), dbSNP rs2540425994, ClinGen allele CA372757224.